The following is an entry in ClinVar:

ClinVar aggregate classification (germline): Uncertain significance. Review status: criteria provided, multiple submitters, no conflicts (2 of 4 stars). 2 submissions from 2 submitters: Uncertain significance (2). Last evaluated 2023-12-07.

Conditions:
Deficiency of alpha-mannosidase (MANSA). Also called: Mannosidosis, alpha-, types I and II; LYSOSOMAL ALPHA-D-MANNOSIDASE DEFICIENCY; Alpha-Mannosidosis. Identifiers: Orphanet 61, MedGen C0024748, MONDO:0009561, OMIM 248500.

Allele frequency attached by ClinVar (database versions not stated): gnomAD 0.00002; TOPMed 0.00002; ExAC 0.00003; 1000 Genomes Project 30x 0.00016; 1000 Genomes Project 0.00020.
gnomAD v4.1: 22 of 1,614,154 alleles (0.0014%); highest among the groups gnomAD compares: East Asian, 0.011%; no homozygotes.

Submissions (2):

Women's Health and Genetics/Laboratory Corporation of America, LabCorp
Classification: Uncertain significance. Last evaluated: 2023-12-07. Review status: criteria provided, single submitter. Criteria: LabCorp Variant Classification Summary - May 2015. Collection method: clinical testing. Allele origin: germline.
Comment: Variant summary: MAN2B1 c.286G>A (p.Gly96Ser) results in a non-conservative amino acid change located in the Glycoside hydrolase family 38, N-terminal domain (IPR000602) of the encoded protein sequence. Three of five in-silico tools predict a damaging effect of the variant on protein function. The variant allele was found at a frequency of 3.2e-05 in 251428 control chromosomes. The available data on variant occurrences in the general population are insufficient to allow any conclusion about variant significance. To our knowledge, no occurrence of c.286G>A in individuals affected with Alpha-Mannosidosis and no experimental evidence demonstrating its impact on protein function have been reported. One submitter has cited clinical-significance assessments for this variant to ClinVar after 2014 and has classified the variant as uncertain significance. Based on the evidence outlined above, the variant was classified as uncertain significance.

Labcorp Genetics (formerly Invitae), Labcorp
Classification: Uncertain significance for Deficiency of alpha-mannosidase. Last evaluated: 2022-10-28. Review status: criteria provided, single submitter. Criteria: Invitae Variant Classification Sherloc (09022015). Collection method: clinical testing. Allele origin: germline.
Comment: This sequence change replaces glycine, which is neutral and non-polar, with serine, which is neutral and polar, at codon 96 of the MAN2B1 protein (p.Gly96Ser). This variant is present in population databases (rs148724402, gnomAD 0.01%). This variant has not been reported in the literature in individuals affected with MAN2B1-related conditions. Advanced modeling of protein sequence and biophysical properties (such as structural, functional, and spatial information, amino acid conservation, physicochemical variation, residue mobility, and thermodynamic stability) performed at Invitae indicates that this missense variant is not expected to disrupt MAN2B1 protein function. In summary, the available evidence is currently insufficient to determine the role of this variant in disease. Therefore, it has been classified as a Variant of Uncertain Significance.

NM_000528.4(MAN2B1):c.286G>A (p.Gly96Ser)

Gene: MAN2B1 (mannosidase alpha class 2B member 1; minus strand). Cytogenetic location: 19p13.13.
Variant type: single nucleotide variant.
Coding change: c.286G>A on transcript NM_000528.4 (MANE Select); coding-DNA position 286, G replaced by A.
Protein change: p.Gly96Ser; replaces glycine 96 with serine.
Molecular consequence: missense variant.
Genome position (GRCh38, 1-based): chr19:12,665,502, C>T on the plus strand (G>A on the coding strand, the complement: MAN2B1 is on the minus strand). VCF-style: chr19-12665502-C-T. GRCh37 (hg19) VCF-style: chr19-12776316-C-T.
Other names: c.286G>A, p.Gly96Ser (NM_001173498.2); short protein forms G96S.
Identifiers: ClinVar variation 2165874 (VCV002165874.2), dbSNP rs148724402, ClinGen allele CA9226842.